The following is an entry in ClinVar:

ClinVar aggregate classification (germline): Conflicting classifications of pathogenicity. Review status: criteria provided, conflicting classifications (1 of 4 stars). 8 submissions from 8 submitters: Uncertain significance (6); Likely benign (2). Last evaluated 2026-03-17.

Conditions:
TTN-related disorder. Also called: TTN-related condition; TTN-related disease; TTN-related disorders.
Autosomal recessive limb-girdle muscular dystrophy type 2J (LGMDR10). Also called: Limb-girdle muscular dystrophy, type 2J; MUSCULAR DYSTROPHY, LIMB-GIRDLE, AUTOSOMAL RECESSIVE 10. Identifiers: Orphanet 140922, MedGen C1837342, MONDO:0012127, OMIM 608807.
Dilated cardiomyopathy 1G (CMD1G). Identifiers: Orphanet 154, MedGen C1858763, MONDO:0011400, OMIM 604145.
Cardiovascular phenotype. Identifiers: MedGen CN230736.

Submissions (8):

PreventionGenetics, part of Exact Sciences
Classification: Uncertain significance for TTN-related condition. Last evaluated: 2026-03-17. Review status: criteria provided, single submitter. Criteria: ACMG Guidelines, 2015. Collection method: clinical testing. Allele origin: germline.
Comment: The TTN c.48378_48380delATT variant is predicted to result in an in-frame deletion (p.Leu16126del). To our knowledge, this variant has not been reported in the literature. This variant is reported in 0.017% of alleles in individuals of African descent in gnomAD. Although we suspect that this variant may be benign, at this time, the clinical significance of this variant is uncertain due to the absence of conclusive functional and genetic evidence.

Revvity Omics, Revvity
Classification: Uncertain significance. Last evaluated: 2025-04-08. Review status: criteria provided, single submitter. Criteria: ACMG Guidelines, 2015. Collection method: clinical testing. Allele origin: germline.

CeGaT Center for Human Genetics Tuebingen
Classification: Uncertain significance. Last evaluated: 2025-04-01. Review status: criteria provided, single submitter. Criteria: CeGaT Center For Human Genetics Tuebingen Variant Classification Criteria Version 2. Collection method: clinical testing. Allele origin: germline. Affected: yes. Observed: 1 variant allele.
Comment: TTN: PM4:Supporting

Women's Health and Genetics/Laboratory Corporation of America, LabCorp
Classification: Uncertain significance. Last evaluated: 2023-11-09. Review status: criteria provided, single submitter. Criteria: LabCorp Variant Classification Summary - May 2015. Collection method: clinical testing. Allele origin: germline.
Comment: Variant summary: TTN c.40674_40676delATT (p.Leu13558del) results in an in-frame deletion that is predicted to remove one amino acid from the encoded protein. The variant allele was found at a frequency of 6.4e-05 in 248198 control chromosomes (gnomAD). To our knowledge, no occurrence of c.40674_40676delATT in individuals affected with Limb-Girdle Muscular Dystrophy, Type 2J and no experimental evidence demonstrating its impact on protein function have been reported. Five submitters have cited clinical-significance assessments for this variant to ClinVar after 2014 and classified the variant as likely benign (n=2) and VUS (n=3). Based on the evidence outlined above, the variant was classified as uncertain significance.

Mayo Clinic Laboratories, Mayo Clinic
Classification: Uncertain significance. Last evaluated: 2021-09-29. Review status: criteria provided, single submitter. Criteria: ACMG Guidelines, 2015. Collection method: clinical testing. Allele origin: germline.

Ambry Genetics
Classification: Likely benign for Cardiovascular phenotype. Last evaluated: 2021-05-24. Review status: criteria provided, single submitter. Criteria: Ambry Variant Classification Scheme 2023. Collection method: clinical testing. Allele origin: germline.

GeneDx
Classification: Likely benign. Last evaluated: 2019-01-22. Review status: criteria provided, single submitter. Criteria: GeneDx Variant Classification Process June 2021. Collection method: clinical testing. Allele origin: germline. Affected: yes.

Labcorp Genetics (formerly Invitae), Labcorp
Classification: Uncertain significance for Dilated cardiomyopathy 1G; Autosomal recessive limb-girdle muscular dystrophy type 2J. Last evaluated: 2017-07-24. Review status: criteria provided, single submitter. Criteria: Invitae Variant Classification Sherloc (09022015). Collection method: clinical testing. Allele origin: germline.

NM_001267550.2(TTN):c.48378_48380del (p.Leu16126del)

Genes: TTN (titin; minus strand), TTN-AS1 (TTN antisense RNA 1; plus strand). Cytogenetic location: 2q31.2.
Variant type: Deletion.
Coding change: c.48378_48380del on transcript NM_001267550.2 (MANE Select); coding-DNA positions 48378 to 48380, 3 bases deleted (ATT; older notation c.48378_48380delATT).
Protein change: p.Leu16126del; deletes leucine 16126.
Molecular consequence: inframe deletion.
Genome position (GRCh38, 1-based): chr2:178,615,721-178,615,723, AAT deleted on the plus strand (ATT on the coding strand, the reverse complement: TTN is on the minus strand); deleting any 3 consecutive bases within chr2:178,615,721-178,615,725 gives the same sequence; the c. name uses the placement nearest the transcript's 3' end. VCF-style (leftmost placement, unchanged base first): chr2-178615720-AAAT-A. GRCh37 (hg19) VCF-style: chr2-179480447-AAAT-A.
Other names: p.Leu14485del; c.21183_21185delATT (NM_003319.4); c.48378_48380delATT (NM_001267550.2); c.43455_43457del, p.Leu14485del (NM_001256850.1); c.21183_21185del, p.Leu7061del (NM_003319.4); c.40674_40676del, p.Leu13558del (NM_133378.4); c.21558_21560del, p.Leu7186del (NM_133432.3); c.21759_21761del, p.Leu7253del (NM_133437.4); and 2 more; short protein forms L16126del, L7061del, L13558del, L7186del, L7253del, L14485del.
Identifiers: ClinVar variation 404791 (VCV000404791.42), dbSNP rs561618839, ClinGen allele CA1994837.
Genomic context (GRCh38, chr2:178,615,720, plus strand): 5'-TACAGGTTCATCAACATATGCAGGTTCTCCAGGGCCACATTTGTTACGAGCACAAACTTT[AAAT>A]AAGTACTCTTTTCCTTGAACAAGATCAGGAACTGTGAATTCTAGATCAGTCACAAAGTCC-3'